The following is an entry in ClinVar:

ClinVar aggregate classification (germline): Likely pathogenic (1 of 4 stars; one submission).

Conditions:
Osteosclerotic metaphyseal dysplasia (OSMD). Identifiers: Orphanet 500548, MedGen C3554665, MONDO:0014080, OMIM 615198.

Submission:

Dubai Health Genomic Medicine Center, Dubai Health
Classification: Likely pathogenic for Osteosclerotic metaphyseal dysplasia. Last evaluated: 2024-10-04. Review status: criteria provided, single submitter. Criteria: ACMG Guidelines, 2015. Collection method: research. Allele origin: germline. Affected: yes.
Comment: PVS1,PM2

NM_024652.6(LRRK1):c.2404_2405+1del

Gene: LRRK1 (leucine rich repeat kinase 1; plus strand). Cytogenetic location: 15q26.3.
Variant type: Deletion.
Coding change: c.2404_2405+1del on transcript NM_024652.6 (MANE Select); coding-DNA position 2404 through the canonical splice donor site of the intron after coding-DNA position 2405, 3 bases deleted (CAG; older notation c.2404_2405+1delCAG).
Molecular consequence: splice donor variant.
Genome position (GRCh38, 1-based): chr15:101,026,136-101,026,138, CAG deleted. VCF-style (leftmost placement, unchanged base first): chr15-101026135-ACAG-A. GRCh37 (hg19) VCF-style: chr15-101566340-ACAG-A.
Other names: c.2404_2405+1delCAG (NM_024652.6).
Identifiers: ClinVar variation 3383996 (VCV003383996.1).